The following is an entry in ClinVar:

ClinVar aggregate classification (germline): Uncertain significance. Review status: criteria provided, multiple submitters, no conflicts (2 of 4 stars). 3 submissions from 3 submitters: Uncertain significance (2). 1 of the submissions does not count toward it. Last evaluated 2024-10-04.

Conditions:
Inborn genetic diseases. Identifiers: MedGen C0950123, MeSH D030342.
Leber congenital amaurosis 5 (LCA5). Also called: Amaurosis congenita of Leber, type 5. Identifiers: Orphanet 65, MedGen C1858301, MONDO:0011473, OMIM 604537.

Allele frequency attached by ClinVar (database versions not stated): gnomAD exomes 0.00001; ExAC 0.00003; TOPMed 0.00007; gnomAD 0.00008 and 0.00009; 1000 Genomes Project 30x 0.00016; 1000 Genomes Project 0.00020.
gnomAD v4.1: 21 of 1,613,666 alleles (0.0013%); highest among the groups gnomAD compares: African/African-American, 0.027%; no homozygotes.

Submissions (3):

Ambry Genetics
Classification: Uncertain significance for Inborn genetic diseases. Last evaluated: 2024-10-04. Review status: criteria provided, single submitter. Criteria: Ambry Variant Classification Scheme 2023. Collection method: clinical testing. Allele origin: germline.

Labcorp Genetics (formerly Invitae), Labcorp
Classification: Uncertain significance. Last evaluated: 2022-08-23. Review status: criteria provided, single submitter. Criteria: Invitae Variant Classification Sherloc (09022015). Collection method: clinical testing. Allele origin: germline.
Comment: This sequence change replaces alanine, which is neutral and non-polar, with proline, which is neutral and non-polar, at codon 683 of the LCA5 protein (p.Ala683Pro). This variant is present in population databases (rs190470567, gnomAD 0.02%). This variant has not been reported in the literature in individuals affected with LCA5-related conditions. ClinVar contains an entry for this variant (Variation ID: 999366). Algorithms developed to predict the effect of missense changes on protein structure and function are either unavailable or do not agree on the potential impact of this missense change (SIFT: "Deleterious"; PolyPhen-2: "Probably Damaging"; Align-GVGD: "Class C0"). In summary, the available evidence is currently insufficient to determine the role of this variant in disease. Therefore, it has been classified as a Variant of Uncertain Significance.

Natera, Inc.
Classification: Uncertain significance for Leber congenital amaurosis type 5. Last evaluated: 2020-04-17. Review status: no assertion criteria provided. Collection method: clinical testing. Allele origin: germline. Not counted in ClinVar's aggregate classification.

NM_001122769.3(LCA5):c.2047G>C (p.Ala683Pro)

Gene: LCA5 (lebercilin LCA5; minus strand). Cytogenetic location: 6q14.1.
Variant type: single nucleotide variant.
Coding change: c.2047G>C on transcript NM_001122769.3 (MANE Select); coding-DNA position 2047, G replaced by C.
Protein change: p.Ala683Pro; replaces alanine 683 with proline.
Molecular consequence: missense variant.
Genome position (GRCh38, 1-based): chr6:79,487,051, C>G on the plus strand (G>C on the coding strand, the complement: LCA5 is on the minus strand). VCF-style: chr6-79487051-C-G. GRCh37 (hg19) VCF-style: chr6-80196768-C-G.
Other names: c.2047G>C, p.Ala683Pro (NM_181714.4); c.2047G>C (NM_181714.3); short protein forms A683P.
Identifiers: ClinVar variation 999366 (VCV000999366.8), dbSNP rs190470567, ClinGen allele CA3900733.
Genomic context (GRCh38, chr6:79,487,051, plus strand): 5'-ATACTCTAGTCAGTCATCTCAGTGCTACTTCTTCAATTTCATCTTCTACAGAATCAGCTG[C>G]TTTTACTGCTGGTTTATCGTCTGCATGTTTTAATCGGTGCCTATTTGGATTAAAACTTCT-3'
Protein context (NP_001116241.1, residues 673-693): KHADDKPAVK[Ala683Pro]ADSVEDEIEE